The following is an entry in ClinVar:

NM_144997.7(FLCN):c.*911G>A

Gene: FLCN (folliculin; minus strand). Cytogenetic location: 17p11.2.
Variant type: single nucleotide variant.
Coding change: c.*911G>A on transcript NM_144997.7 (MANE Select); 911 bases downstream of the stop codon, G replaced by A.
Molecular consequence: 3 prime UTR variant.
Genome position (GRCh38, 1-based): chr17:17,212,744, C>T on the plus strand (G>A on the coding strand, the complement: FLCN is on the minus strand). VCF-style: chr17-17212744-C-T. GRCh37 (hg19) VCF-style: chr17-17116058-C-T.
Other names: c.*911G>A (LRG_325t1, NM_001353229.2, NM_001353230.2 and 1 more transcripts).
Identifiers: ClinVar variation 322042 (VCV000322042.5), dbSNP rs571893996, ClinGen allele CA10648683.
Genomic context (GRCh38, chr17:17,212,744, plus strand): 5'-GCTGAGGCAGGAGAATTGCTTGAACCCAGGAGGCAGAGGTTGCAGTGAGCCAAGATCGTG[C>T]CATTGCACTCCAGCCTGGGCAACAAGAGTGAAACTCCCTCTCAAAAAAAAAAGTACAGTG-3'

ClinVar aggregate classification (germline): Benign/Likely benign. Review status: criteria provided, single submitter (1 of 4 stars). 2 submissions from 1 submitter: Benign (1); Likely benign (1). Last evaluated 2018-01-12.

Conditions:
Familial spontaneous pneumothorax (PSP). Identifiers: Orphanet 2903, MedGen C1868193, MONDO:0008259, OMIM 173600.
Birt-Hogg-Dube syndrome. Also called: Birt Hogg Dubé syndrome. Identifiers: Orphanet 122, MedGen C0346010, MONDO:0800444.

Allele frequency attached by ClinVar (database versions not stated): 1000 Genomes Project 30x 0.00078; 1000 Genomes Project 0.00080; TOPMed 0.00228; gnomAD exomes 0.00280; gnomAD 0.00351 and 0.00356.
gnomAD v4.1: 643 of 193,038 alleles (0.33%); highest among the groups gnomAD compares: Non-Finnish European, 0.42%; 4 homozygotes.

Submissions (2):

Illumina Laboratory Services, Illumina
Classification: Benign for Birt-Hogg-Dube syndrome 1. Last evaluated: 2018-01-12. Review status: criteria provided, single submitter. Criteria: ICSL Variant Classification Criteria 13 December 2019. Collection method: clinical testing. Allele origin: germline.
Comment: This variant was observed in the ICSL laboratory as part of a predisposition screen in an ostensibly healthy population. It had not been previously curated by ICSL or reported in the Human Gene Mutation Database (HGMD: prior to June 1st, 2018), and was therefore a candidate for classification through an automated scoring system. Utilizing variant allele frequency, disease prevalence and penetrance estimates, and inheritance mode, an automated score was calculated to assess if this variant is too frequent to cause the disease. Based on the score and internal cut-off values, a variant classified as benign is not then subjected to further curation. The score for this variant resulted in a classification of benign for this disease.

Illumina Laboratory Services, Illumina
Classification: Likely benign for Familial spontaneous pneumothorax. Last evaluated: 2018-01-12. Review status: criteria provided, single submitter. Criteria: ICSL Variant Classification Criteria 13 December 2019. Collection method: clinical testing. Allele origin: germline.
Comment: This variant was observed in the ICSL laboratory as part of a predisposition screen in an ostensibly healthy population. It had not been previously curated by ICSL or reported in the Human Gene Mutation Database (HGMD: prior to June 1st, 2018), and was therefore a candidate for classification through an automated scoring system. Utilizing variant allele frequency, disease prevalence and penetrance estimates, and inheritance mode, an automated score was calculated to assess if this variant is too frequent to cause the disease. Based on the score and internal cut-off values, a variant classified as likely benign is not then subjected to further curation. The score for this variant resulted in a classification of likely benign for this disease.